The following is an entry in ClinVar:

NC_000019.10:g.39480699G>A

Gene: TIMM50 (translocase of inner mitochondrial membrane 50; plus strand). Cytogenetic location: 19q13.2.
Variant type: single nucleotide variant.
Genome position: GRCh38 VCF-style: chr19-39480699-G-A. GRCh37 (hg19) VCF-style: chr19-39971339-G-A.
Identifiers: ClinVar variation 3624579 (VCV003624579.2).

ClinVar aggregate classification (germline): Uncertain significance (1 of 4 stars; one submission).

Submission:

Labcorp Genetics (formerly Invitae), Labcorp
Classification: Uncertain significance. Last evaluated: 2024-10-15. Review status: criteria provided, single submitter. Criteria: Invitae Variant Classification Sherloc (09022015). Collection method: clinical testing. Allele origin: germline.
Comment: This sequence change replaces arginine, which is basic and polar, with lysine, which is basic and polar, at codon 52 of the TIMM50 protein (p.Arg52Lys). This variant is not present in population databases (gnomAD no frequency). This variant has not been reported in the literature in individuals affected with TIMM50-related conditions. An algorithm developed to predict the effect of missense changes on protein structure and function (PolyPhen-2) suggests that this variant is likely to be tolerated. In summary, the available evidence is currently insufficient to determine the role of this variant in disease. Therefore, it has been classified as a Variant of Uncertain Significance.